The following is an entry in ClinVar:

ClinVar aggregate classification (germline): Uncertain significance (1 of 4 stars; one submission).

Conditions:
Cardiovascular phenotype. Identifiers: MedGen CN230736.

Submission:

Ambry Genetics
Classification: Uncertain significance for Cardiovascular phenotype. Last evaluated: 2023-02-07. Review status: criteria provided, single submitter. Criteria: Ambry Variant Classification Scheme 2023. Collection method: clinical testing. Allele origin: germline.
Comment: The p.D1227E variant (also known as c.3681C>G), located in coding exon 8 of the ALMS1 gene, results from a C to G substitution at nucleotide position 3681. The aspartic acid at codon 1227 is replaced by glutamic acid, an amino acid with highly similar properties. This amino acid position is not well conserved in available vertebrate species. In addition, this alteration is predicted to be tolerated by in silico analysis. Since supporting evidence is limited at this time, the clinical significance of this alteration remains unclear.

NM_001378454.1(ALMS1):c.3678C>G (p.Asp1226Glu)

Gene: ALMS1 (ALMS1 centrosome and basal body associated protein; plus strand). Cytogenetic location: 2p13.1.
Variant type: single nucleotide variant.
Coding change: c.3678C>G on transcript NM_001378454.1 (MANE Select); coding-DNA position 3678, C replaced by G.
Protein change: p.Asp1226Glu; replaces aspartic acid 1226 with glutamic acid.
Molecular consequence: missense variant.
Genome position (GRCh38, 1-based): chr2:73,450,205, C>G. VCF-style: chr2-73450205-C-G. GRCh37 (hg19) VCF-style: chr2-73677332-C-G.
Other names: c.3681C>G, p.Asp1227Glu (NM_015120.4); short protein forms D1226E, D1227E.
Identifiers: ClinVar variation 2449599 (VCV002449599.2), dbSNP rs1671901521, ClinGen allele CA347276212.